The following is an entry in ClinVar:

NM_002224.4(ITPR3):c.5529G>T (p.Ser1843=)

Gene: ITPR3 (inositol 1,4,5-trisphosphate receptor type 3; plus strand). Cytogenetic location: 6p21.31.
Variant type: single nucleotide variant.
Coding change: c.5529G>T on transcript NM_002224.4 (MANE Select); coding-DNA position 5529, G replaced by T.
Protein change: p.Ser1843=; no amino-acid change (serine 1843 retained).
Molecular consequence: synonymous variant.
Genome position (GRCh38, 1-based): chr6:33,685,689, G>T. VCF-style: chr6-33685689-G-T. GRCh37 (hg19) VCF-style: chr6-33653466-G-T.
Identifiers: ClinVar variation 4537368 (VCV004537368.1).

ClinVar aggregate classification (germline): Uncertain significance (1 of 4 stars; one submission).

Conditions:
Charcot-Marie-Tooth disease, demyelinating, type 1J. Also called: CHARCOT-MARIE-TOOTH NEUROPATHY, DEMYELINATING, TYPE 1J. Identifiers: MedGen C5774249, MONDO:0859311, OMIM 620111.

Submission:

Genetics Department, Catlab
Classification: Uncertain significance for Charcot-Marie-Tooth disease, demyelinating, type 1J. Last evaluated: 2025-09-16. Review status: criteria provided, single submitter. Criteria: ACMG Guidelines, 2015. Collection method: clinical testing. Allele origin: germline. Affected: yes. Observed: 1 variant allele.
Comment: The c.5529G>T is a synonymous change in exon 41 of the ITPR3 gene, absent from gnomAD v4.1 (PM2_moderate) and for which SpliceAI supports a pathogenic effect (SpliceAI=0.60) (PP3_supporting). The variant has not been previously described in patients. With all the available evidence, the variant is classified as of uncertain significance.